The following is an entry in ClinVar:

ClinVar aggregate classification (germline): Pathogenic (0 of 4 stars; one submission).

Conditions:
Alkaptonuria (AKU). Also called: Alkaptonuric ochronosis; Homogentisic acidura; HOMOGENTISIC ACID OXIDASE DEFICIENCY; Alcaptonuria. Identifiers: Orphanet 56, MedGen C0002066, MONDO:0008753, OMIM 203500.

Submission:

Department Of Human Genetics, Institute Of Clinical And Translational Research, Biomedical Research Center, Slovak Academy Of Sciences
Classification: Pathogenic for Alkaptonuria. Review status: no assertion criteria provided. Collection method: research. Allele origin: germline. Inheritance: Autosomal recessive inheritance. Affected: yes. Observed: 1 variant allele.
Comment: The variant was originally described in PMID:34504318. It has been submitted to the HGD gene mutation database (DB-ID: AKU_00225).

Literature cited by the submitters: PubMed 34504318.

NM_000187.4(HGD):c.470-1G>A

Gene: HGD (homogentisate 1,2-dioxygenase; minus strand). Cytogenetic location: 3q13.33.
Variant type: single nucleotide variant.
Coding change: c.470-1G>A on transcript NM_000187.4 (MANE Select); the canonical splice acceptor site of the intron before coding-DNA position 470, G replaced by A.
Molecular consequence: splice acceptor variant.
Genome position (GRCh38, 1-based): chr3:120,647,053, C>T on the plus strand (G>A on the coding strand, the complement: HGD is on the minus strand). VCF-style: chr3-120647053-C-T. GRCh37 (hg19) VCF-style: chr3-120365900-C-T.
Identifiers: ClinVar variation 2584713 (VCV002584713.2), dbSNP rs2472702255, ClinGen allele CA354077242.
Genomic context (GRCh38, chr3:120,647,053, plus strand): 5'-TGGGCTGTACAAGCATCTTGCCAAACTCGGTGTAAATGAGAAGGTTCCCTTTCTGCGGAA[C>T]TGACAAAAAAAGACAGGGCAGTGGTGAGCAATTCTTTTGGTGTGATAACCATTTCATGAA-3'